The following is an entry in ClinVar:

ClinVar aggregate classification (germline): Benign/Likely benign. Review status: criteria provided, multiple submitters, no conflicts (2 of 4 stars). 10 submissions from 10 submitters: Benign (4); Likely benign (5). 1 of the submissions does not count toward it. Last evaluated 2026-02-04.

Conditions:
NTHL1-related disorder. Also called: NTHL1-related conditions; NTHL1-related condition.
Hereditary cancer-predisposing syndrome. Also called: Tumor predisposition; Neoplastic Syndromes, Hereditary; Hereditary Cancer Syndrome; Hereditary neoplastic syndrome. Identifiers: Orphanet 140162, MedGen C0027672, MeSH D009386, MONDO:0015356.
Familial adenomatous polyposis 3. Also called: NTHL1-Related Adenomatous Polyposis and Colorectal Cancer; NTHL1-related attenuated familial adenomatous polyposis; NTHL1-associated polyposis; NTHL1 Tumor Syndrome. Identifiers: Orphanet 220460, Orphanet 454840, MedGen C4225157, MONDO:0014630, OMIM 616415.

Allele frequency attached by ClinVar (database versions not stated): gnomAD 0.00339 and 0.00366; 1000 Genomes Project 30x 0.00375; 1000 Genomes Project 0.00379; TOPMed 0.00388; ESP Exome Variant Server 0.00423.
gnomAD v4.1: 965 of 1,602,306 alleles (0.06%); highest among the groups gnomAD compares: African/African-American, 1.2%; 6 homozygotes.

Submissions (12):

Labcorp Genetics (formerly Invitae), Labcorp
Classification: Benign. Last evaluated: 2026-02-04. Review status: criteria provided, single submitter. Criteria: Invitae Variant Classification Sherloc (09022015). Collection method: clinical testing. Allele origin: germline.

Quest Diagnostics Nichols Institute San Juan Capistrano
Classification: Benign. Last evaluated: 2025-06-03. Review status: criteria provided, single submitter. Criteria: Quest Diagnostics criteria. Collection method: clinical testing. Allele origin: unknown.

Center for Genomic Medicine, Rigshospitalet, Copenhagen University Hospital
Classification: Benign. Last evaluated: 2025-03-04. Review status: criteria provided, single submitter. Criteria: ACMG Guidelines, 2015. Collection method: clinical testing. Allele origin: germline.

ARUP Laboratories, Molecular Genetics and Genomics, ARUP Laboratories
Classification: Likely benign for Familial adenomatous polyposis 3. Last evaluated: 2024-12-26. Review status: criteria provided, single submitter. Criteria: ARUP Molecular Germline Variant Investigation Process 2024. Collection method: clinical testing. Allele origin: germline.

Department of Pathology and Laboratory Medicine, Sinai Health System
Classification: Likely benign for Familial adenomatous polyposis 3. Last evaluated: 2024-12-13. Review status: criteria provided, single submitter. Criteria: ACMG Guidelines, 2015. Collection method: clinical testing. Allele origin: germline.

Molecular Diagnostics Laboratory, Catalan Institute of Oncology
Classification: Benign for Hereditary cancer-predisposing syndrome. Last evaluated: 2024-12-02. Review status: criteria provided, single submitter. Criteria: ACMG Guidelines, 2015. Collection method: clinical testing. Allele origin: germline.
Comment: BA1 NTHL1 c.140-10C>G (NM_002528.5 and NM_002528.6) or c.116-10C>G (NM_002528.7) is an intronic variant located close to a canonical splice site. The variant allele was found in 274/23486 alleles, with a filter allele frequency of 1.01% at 99% confidence, within the African population in the gnomAD v2.1.1 database (non-cancer data set)(BA1). The SpliceAI algorithm is indeterminate regarding the impact on splicing (0.12). To our knowledge, functional studies have not been reported for this variant. It has been reported in and in ClinVar (4x likely benign, 3x benign) but it has not been identified in the LOVD database. Based on currently available information, c.140-10C>G is classified as a benign variant.

Blueprint Genetics
Classification: Likely benign. Last evaluated: 2024-05-29. Review status: criteria provided, single submitter. Criteria: ACMG Guidelines, 2015. Collection method: clinical testing. Allele origin: germline.

GeneDx
Classification: Likely benign. Last evaluated: 2021-05-03. Review status: criteria provided, single submitter. Criteria: GeneDx Variant Classification Process June 2021. Collection method: clinical testing. Allele origin: germline. Affected: yes.

Breakthrough Genomics
Classification: Likely benign. Review status: criteria provided, single submitter. Criteria: ACMG Guidelines, 2015. Collection method: not provided. Allele origin: germline. Inheritance: Autosomal recessive inheritance. Affected: yes.

PreventionGenetics, part of Exact Sciences
Classification: Benign for NTHL1-related condition. Last evaluated: 2019-09-19. Review status: no assertion criteria provided. Collection method: clinical testing. Allele origin: germline. Not counted in ClinVar's aggregate classification.
Comment: This variant is classified as benign based on ACMG/AMP sequence variant interpretation guidelines (Richards et al. 2015 PMID: 25741868, with internal and published modifications).

Dr. Peter K. Rogan Lab, Western University
No classification provided (evidence only). Condition: Lung cancer. Review status: no classification provided. Collection method: in vitro. Allele origin: not applicable. Functional consequence: retained intron. Not counted in ClinVar's aggregate classification.

Dr. Peter K. Rogan Lab, Western University
No classification provided (evidence only). Condition: Malignant tumor of esophagus. Review status: no classification provided. Collection method: in vitro. Allele origin: not applicable. Functional consequence: retained intron. Not counted in ClinVar's aggregate classification.

NM_002528.7(NTHL1):c.116-10C>G

Gene: NTHL1 (nth like DNA glycosylase 1; minus strand). Cytogenetic location: 16p13.3.
Variant type: single nucleotide variant.
Coding change: c.116-10C>G on transcript NM_002528.7 (MANE Select); 10 bases into the intron before coding-DNA position 116, C replaced by G.
Molecular consequence: intron variant.
Genome position (GRCh38, 1-based): chr16:2,046,376, G>C on the plus strand (C>G on the coding strand, the complement: NTHL1 is on the minus strand). VCF-style: chr16-2046376-G-C. GRCh37 (hg19) VCF-style: chr16-2096377-G-C.
Other names: c.-63-10C>G (NM_001318194.2); c.116-10C>G (NM_001318193.2).
Identifiers: ClinVar variation 776963 (VCV000776963.41), dbSNP rs3211970, ClinGen allele CA7828363.